The following is an entry in ClinVar:

ClinVar aggregate classification (germline): Likely benign. Review status: criteria provided, multiple submitters, no conflicts (2 of 4 stars). 2 submissions from 2 submitters: Likely benign (2). Last evaluated 2025-09-30.

Conditions:
Immunodeficiency 104. Also called: Severe combined immunodeficiency, autosomal recessive, T cell-negative, B cell-positive, NK cell-positive; SCID, AUTOSOMAL RECESSIVE, T CELL-NEGATIVE, B CELL-POSITIVE, NK CELL-POSITIVE; Severe Combined Immune Deficiency, Autosomal Recessive, TCell -Negative, B Cell-Positive, NK Cell-Positive, IL7R-Related; IMMUNODEFICIENCY 104, SEVERE COMBINED. Identifiers: MedGen C5676890, MONDO:0012163, OMIM 608971.

Allele frequency attached by ClinVar (database versions not stated): TOPMed below 0.00001; ExAC 0.00001; gnomAD exomes 0.00001.
gnomAD v4.1: 16 of 1,613,168 alleles (0.00099%); highest among the groups gnomAD compares: South Asian, 0.0033%; no homozygotes.

Submissions (2):

Labcorp Genetics (formerly Invitae), Labcorp
Classification: Likely benign for Immunodeficiency 104. Last evaluated: 2025-09-30. Review status: criteria provided, single submitter. Criteria: Invitae Variant Classification Sherloc (09022015). Collection method: clinical testing. Allele origin: germline.

CeGaT Center for Human Genetics Tuebingen
Classification: Likely benign. Last evaluated: 2022-05-01. Review status: criteria provided, single submitter. Criteria: CeGaT Center For Human Genetics Tuebingen Variant Classification Criteria Version 2. Collection method: clinical testing. Allele origin: germline. Affected: yes. Observed: 1 variant allele.
Comment: PTPRC: BP4, BP7

NM_002838.5(PTPRC):c.633C>T (p.Ser211=)

Gene: PTPRC (protein tyrosine phosphatase receptor type C; plus strand). Cytogenetic location: 1q32.1.
Variant type: single nucleotide variant.
Coding change: c.633C>T on transcript NM_002838.5 (MANE Select); coding-DNA position 633, C replaced by T.
Protein change: p.Ser211=; no amino-acid change (serine 211 retained).
Molecular consequence: synonymous variant.
Genome position (GRCh38, 1-based): chr1:198,703,347, C>T. VCF-style: chr1-198703347-C-T. GRCh37 (hg19) VCF-style: chr1-198672476-C-T.
Other names: c.150C>T, p.Ser50= (NM_080921.4).
Identifiers: ClinVar variation 2639712 (VCV002639712.27), dbSNP rs772410895, ClinGen allele CA1314550.
Genomic context (GRCh38, chr1:198,703,347, plus strand): 5'-TTTTCTTGCAGATGCCTACCTTAATGCCTCTGAAACAACCACTCTGAGCCCTTCTGGAAG[C>T]GCTGTCATTTCAACCACAACAATAGGTGATATTACCCTCAGTCAGGCAGCCACACCATCC-3'
Protein context (NP_002829.3, residues 201-221): SETTTLSPSG[Ser211=]AVISTTTIAT